The following is an entry in ClinVar:

NM_006118.4(HAX1):c.755-4T>C

Gene: HAX1 (HCLS1 associated protein X-1; plus strand). Cytogenetic location: 1q21.3.
Variant type: single nucleotide variant.
Coding change: c.755-4T>C on transcript NM_006118.4 (MANE Select); 4 bases into the intron before coding-DNA position 755, T replaced by C.
Molecular consequence: intron variant.
Genome position (GRCh38, 1-based): chr1:154,275,612, T>C. VCF-style: chr1-154275612-T-C. GRCh37 (hg19) VCF-style: chr1-154248088-T-C.
Other names: c.611-4T>C (NM_001018837.2).
Identifiers: ClinVar variation 3031411 (VCV003031411.4), dbSNP rs372162895, ClinGen allele CA1127467.

ClinVar aggregate classification (germline): Likely benign. Review status: criteria provided, single submitter (1 of 4 stars). 2 submissions from 2 submitters: Likely benign (1). 1 of the submissions does not count toward it. Last evaluated 2025-11-25.

Conditions:
Kostmann syndrome (SCN3). Also called: Autosomal recessive severe congenital neutropenia type 3; KOSTMANN DISEASE. Identifiers: Orphanet 99749, MedGen C5235141, MONDO:0012548, OMIM 610738.
HAX1-related disorder. Also called: HAX1-related condition.

Allele frequency attached by ClinVar (database versions not stated): ExAC 0.00001; gnomAD 0.00001; TOPMed 0.00002; ESP Exome Variant Server 0.00008.

Submissions (2):

Labcorp Genetics (formerly Invitae), Labcorp
Classification: Likely benign for Kostmann syndrome. Last evaluated: 2025-11-25. Review status: criteria provided, single submitter. Criteria: Invitae Variant Classification Sherloc (09022015). Collection method: clinical testing. Allele origin: germline.

PreventionGenetics, part of Exact Sciences
Classification: Likely benign for HAX1-related condition. Last evaluated: 2020-12-09. Review status: no assertion criteria provided. Collection method: clinical testing. Allele origin: germline. Not counted in ClinVar's aggregate classification.
Comment: This variant is classified as likely benign based on ACMG/AMP sequence variant interpretation guidelines (Richards et al. 2015 PMID: 25741868, with internal and published modifications).